The following is an entry in ClinVar:

ClinVar aggregate classification (germline): Pathogenic (1 of 4 stars; one submission).

Submission:

GeneDx
Classification: Pathogenic. Last evaluated: 2023-01-11. Review status: criteria provided, single submitter. Criteria: GeneDx Variant Classification Process June 2021. Collection method: clinical testing. Allele origin: germline. Affected: yes.
Comment: Reported in a patient in published literature with suspected Kabuki syndrome (Banka et al., 2012); Frameshift variant predicted to result in protein truncation or nonsense mediated decay in a gene for which loss of function is a known mechanism of disease; Not observed at significant frequency in large population cohorts (gnomAD); This variant is associated with the following publications: (PMID: 22126750)

NM_003482.4(KMT2D):c.11515dup (p.Gln3839fs)

Gene: KMT2D (lysine methyltransferase 2D; minus strand). Cytogenetic location: 12q13.12.
Variant type: Duplication.
Coding change: c.11515dup on transcript NM_003482.4 (MANE Select); coding-DNA position 11515, one base duplicated (C; older notation c.11515dupC).
Protein change: p.Gln3839fs; shifts the reading frame from glutamine 3839.
Molecular consequence: frameshift variant.
Genome position (GRCh38, 1-based): chr12:49,033,190, G duplicated on the plus strand (C on the coding strand, the reverse complement: KMT2D is on the minus strand); the first of 6 consecutive G bases (chr12:49,033,190-49,033,195); duplicating any one gives the same sequence. VCF-style (leftmost placement, unchanged base first): chr12-49033189-T-TG. GRCh37 (hg19) VCF-style: chr12-49426972-T-TG.
Other names: c.11515dup (NM_003482.3); short protein forms Q3839fs.
Identifiers: ClinVar variation 2572779 (VCV002572779.1), dbSNP rs1565778024, ClinGen allele CA2580615183.